The following is an entry in ClinVar:

ClinVar aggregate classification (germline): Conflicting classifications of pathogenicity. Review status: criteria provided, conflicting classifications (1 of 4 stars). 3 submissions from 3 submitters: Uncertain significance (1); Likely benign (1). 1 of the submissions does not count toward it. Last evaluated 2025-07-27.

Conditions:
IMPG1-related disorder. Also called: IMPG1-related condition.

Allele frequency attached by ClinVar (database versions not stated): ExAC 0.00001; gnomAD 0.00001; TOPMed 0.00001; gnomAD exomes 0.00003 and 0.00007.
gnomAD v4.1: 111 of 1,605,112 alleles (0.0069%); highest among the groups gnomAD compares: Non-Finnish European, 0.0086%; no homozygotes.

Submissions (3):

Labcorp Genetics (formerly Invitae), Labcorp
Classification: Likely benign. Last evaluated: 2025-07-27. Review status: criteria provided, single submitter. Criteria: Invitae Variant Classification Sherloc (09022015). Collection method: clinical testing. Allele origin: germline.

Blueprint Genetics
Classification: Uncertain significance. Last evaluated: 2020-07-03. Review status: criteria provided, single submitter. Criteria: ACMG Guidelines, 2015. Collection method: clinical testing. Allele origin: germline.

PreventionGenetics, part of Exact Sciences
Classification: Likely benign for IMPG1-related condition. Last evaluated: 2019-11-21. Review status: no assertion criteria provided. Collection method: clinical testing. Allele origin: germline. Not counted in ClinVar's aggregate classification.
Comment: This variant is classified as likely benign based on ACMG/AMP sequence variant interpretation guidelines (Richards et al. 2015 PMID: 25741868, with internal and published modifications).

NM_001563.4(IMPG1):c.2045-10T>A

Gene: IMPG1 (interphotoreceptor matrix proteoglycan 1; minus strand). Cytogenetic location: 6q14.1.
Variant type: single nucleotide variant.
Coding change: c.2045-10T>A on transcript NM_001563.4 (MANE Select); 10 bases into the intron before coding-DNA position 2045, T replaced by A.
Molecular consequence: intron variant.
Genome position (GRCh38, 1-based): chr6:75,931,161, A>T on the plus strand (T>A on the coding strand, the complement: IMPG1 is on the minus strand). VCF-style: chr6-75931161-A-T. GRCh37 (hg19) VCF-style: chr6-76640878-A-T.
Other names: c.1811-10T>A (NM_001282368.2).
Identifiers: ClinVar variation 961171 (VCV000961171.12), dbSNP rs761746257, ClinGen allele CA3897941.